The following is an entry in ClinVar:

NM_002860.4(ALDH18A1):c.553_554delinsTT (p.Ala185Phe)

Gene: ALDH18A1 (aldehyde dehydrogenase 18 family member A1; minus strand). Cytogenetic location: 10q24.1.
Variant type: Indel.
Coding change: c.553_554delinsTT on transcript NM_002860.4 (MANE Select); coding-DNA positions 553 to 554, GC replaced by TT.
Protein change: p.Ala185Phe; replaces alanine 185 with phenylalanine.
Molecular consequence: missense variant. On other transcripts: intron variant (2).
Genome position (GRCh38, 1-based): chr10:95,637,097-95,637,098, GC replaced by AA on the plus strand (GC replaced by TT on the coding strand, the reverse complement: ALDH18A1 is on the minus strand). VCF-style: chr10-95637097-GC-AA. GRCh37 (hg19) VCF-style: chr10-97396854-GC-AA.
Other names: c.553_554delinsTT, p.Ala185Phe (NM_001017423.2, NM_001323413.2, NM_001323414.2 and 1 more transcripts); c.220_221delinsTT, p.Ala74Phe (NM_001323412.2, NM_001323416.2, NM_001323418.2); c.-78-3449_-78-3448delinsTT (NM_001323419.2); c.453+189_453+190delinsTT (NM_001323417.2); short protein forms A74F, A185F.
Identifiers: ClinVar variation 1914489 (VCV001914489.5), dbSNP rs2526897259, ClinGen allele CA2580082577.

ClinVar aggregate classification (germline): Uncertain significance (1 of 4 stars; one submission).

Conditions:
Autosomal dominant spastic paraplegia type 9. Identifiers: MedGen C1832669, MONDO:0015091.
de Barsy syndrome. Also called: Cutis laxa-corneal clouding-oligophrenia syndrome. Identifiers: Orphanet 2962, MedGen C0268354, MONDO:0017569.
Cutis laxa, autosomal dominant 3 (ADCL3). Identifiers: Orphanet 90348, MedGen C4225268, MONDO:0014706, OMIM 616603.

Submission:

Labcorp Genetics (formerly Invitae), Labcorp
Classification: Uncertain significance for Autosomal dominant spastic paraplegia type 9; de Barsy syndrome; Cutis laxa, autosomal dominant 3. Last evaluated: 2022-05-13. Review status: criteria provided, single submitter. Criteria: Invitae Variant Classification Sherloc (09022015). Collection method: clinical testing. Allele origin: germline.
Comment: In summary, the available evidence is currently insufficient to determine the role of this variant in disease. Therefore, it has been classified as a Variant of Uncertain Significance. Algorithms developed to predict the effect of missense changes on protein structure and function are either unavailable or do not agree on the potential impact of this missense change (SIFT: "Not Available"; PolyPhen-2: "Probably Damaging"; Align-GVGD: "Not Available"). This variant has not been reported in the literature in individuals affected with ALDH18A1-related conditions. Information on the frequency of this variant in the gnomAD database is not available, as this variant may be reported differently in the database. This sequence change replaces alanine, which is neutral and non-polar, with phenylalanine, which is neutral and non-polar, at codon 185 of the ALDH18A1 protein (p.Ala185Phe).